The following is an entry in ClinVar:

ClinVar aggregate classification (germline): Likely benign. Review status: criteria provided, multiple submitters, no conflicts (2 of 4 stars). 4 submissions from 4 submitters: Likely benign (4). Last evaluated 2025-05-15.

Conditions:
Inborn genetic diseases. Identifiers: MedGen C0950123, MeSH D030342.
Autosomal recessive severe congenital neutropenia due to G6PC3 deficiency. Also called: NEUTROPENIA, SEVERE CONGENITAL, 4, AUTOSOMAL RECESSIVE; G6PC3 Deficiency. Identifiers: Orphanet 331176, MedGen C2751630, MONDO:0012930, OMIM 612541.

Allele frequency attached by ClinVar (database versions not stated): gnomAD exomes 0.00001; gnomAD 0.00004; TOPMed 0.00005; 1000 Genomes Project 30x 0.00016; 1000 Genomes Project 0.00020.
gnomAD v4.1: 23 of 1,552,538 alleles (0.0015%); highest among the groups gnomAD compares: African/African-American, 0.026%; 1 homozygote.

Submissions (4):

Labcorp Genetics (formerly Invitae), Labcorp
Classification: Likely benign for Autosomal recessive severe congenital neutropenia due to G6PC3 deficiency. Last evaluated: 2025-05-15. Review status: criteria provided, single submitter. Criteria: Invitae Variant Classification Sherloc (09022015). Collection method: clinical testing. Allele origin: germline.

Ambry Genetics
Classification: Likely benign for Inborn genetic diseases. Last evaluated: 2024-12-04. Review status: criteria provided, single submitter. Criteria: Ambry Variant Classification Scheme 2023. Collection method: clinical testing. Allele origin: germline.

CeGaT Center for Human Genetics Tuebingen
Classification: Likely benign. Last evaluated: 2024-08-01. Review status: criteria provided, single submitter. Criteria: CeGaT Center For Human Genetics Tuebingen Variant Classification Criteria Version 2. Collection method: clinical testing. Allele origin: germline. Affected: yes. Observed: 1 variant allele.
Comment: G6PC3: BP4, BP7

Blueprint Genetics
Classification: Likely benign. Last evaluated: 2024-05-13. Review status: criteria provided, single submitter. Criteria: ACMG Guidelines, 2015. Collection method: clinical testing. Allele origin: germline.

NM_138387.4(G6PC3):c.9C>T (p.Ser3=)

Gene: G6PC3 (glucose-6-phosphatase catalytic subunit 3; plus strand). Cytogenetic location: 17q21.31.
Variant type: single nucleotide variant.
Coding change: c.9C>T on transcript NM_138387.4 (MANE Select); coding-DNA position 9, C replaced by T.
Protein change: p.Ser3=; no amino-acid change (serine 3 retained).
Molecular consequence: synonymous variant. On other transcripts: 5 prime UTR variant (3), intron variant (1).
Genome position (GRCh38, 1-based): chr17:44,070,974, C>T. VCF-style: chr17-44070974-C-T. GRCh37 (hg19) VCF-style: chr17-42148342-C-T.
Other names: c.9C>T (NM_138387.3); c.9C>T, p.Ser3= (NM_001319945.2); c.-396C>T (NM_001384165.1); c.-531C>T (NM_001384166.1); c.-521C>T (NM_001384167.1); c.-312+260C>T (NM_001384168.1).
Identifiers: ClinVar variation 1586241 (VCV001586241.26), dbSNP rs201749454, ClinGen allele CA290903894.